The following is an entry in ClinVar:

NM_000780.4(CYP7A1):c.1128C>T (p.Asp376=)

Genes: CYP7A1 (cytochrome P450 family 7 subfamily A member 1; minus strand), LOC126860400 (BRD4-independent group 4 enhancer GRCh37_chr8:59404317-59405516; plus strand). Cytogenetic location: 8q12.1.
Variant type: single nucleotide variant.
Coding change: c.1128C>T on transcript NM_000780.4 (MANE Select); coding-DNA position 1128, C replaced by T.
Protein change: p.Asp376=; no amino-acid change (aspartic acid 376 retained).
Molecular consequence: synonymous variant.
Genome position (GRCh38, 1-based): chr8:58,492,440, G>A on the plus strand (C>T on the coding strand, the complement: CYP7A1 is on the minus strand). VCF-style: chr8-58492440-G-A. GRCh37 (hg19) VCF-style: chr8-59404999-G-A.
Other names: p.Asp376=.
Identifiers: ClinVar variation 4683345 (VCV004683345.1).

ClinVar aggregate classification (germline): Likely benign (1 of 4 stars; one submission).

gnomAD v4.1: 20 of 1,613,622 alleles (0.0012%); highest among the groups gnomAD compares: Middle Eastern, 0.016%; no homozygotes.

Submission:

Mayo Clinic Laboratories, Mayo Clinic
Classification: Likely benign. Last evaluated: 2025-07-14. Review status: criteria provided, single submitter. Criteria: ACMG Guidelines, 2015. Collection method: clinical testing. Allele origin: germline. Observed: 1 variant allele.
Comment: BP4, BP7, PM2_supporting